The following is an entry in ClinVar:

NC_000001.10:g.(?_196963190)_(196967454_?)dup

Gene: CFHR5 (complement factor H related 5; plus strand). Cytogenetic location: 1q31.3.
Variant type: Duplication.
Identifiers: ClinVar variation 3248019 (VCV003248019.1).

ClinVar aggregate classification (germline): Uncertain significance (1 of 4 stars; one submission).

Submission:

Labcorp Genetics (formerly Invitae), Labcorp
Classification: Uncertain significance. Last evaluated: 2023-04-07. Review status: criteria provided, single submitter. Criteria: Invitae Variant Classification Sherloc (09022015). Collection method: clinical testing. Allele origin: unknown.
Comment: In summary, the available evidence is currently insufficient to determine the role of this variant in disease. Therefore, it has been classified as a Variant of Uncertain Significance. Experimental studies and prediction algorithms are not available or were not evaluated, and the functional significance of this variant is currently unknown. This variant has not been reported in the literature in individuals affected with CFHR5-related conditions. This variant results in a copy number gain of the genomic region encompassing exon(s) 4-7 of the CFHR5 gene. While the exact position of this variant cannot be determined from the data, sub-genic copy number gains are generally in tandem (PMID: 25640679). This variant is predicted to be in-frame, and likely preserves the integrity of the reading frame.

Literature cited by the submitters: PubMed 25640679.